The following is an entry in ClinVar:

ClinVar aggregate classification (germline): Likely pathogenic (1 of 4 stars; one submission).

Submission:

Labcorp Genetics (formerly Invitae), Labcorp
Classification: Likely pathogenic. Last evaluated: 2022-10-29. Review status: criteria provided, single submitter. Criteria: Invitae Variant Classification Sherloc (09022015). Collection method: clinical testing. Allele origin: germline.
Comment: This variant is not present in population databases (gnomAD no frequency). This sequence change affects an acceptor splice site in intron 8 of the USH2A gene. It is expected to disrupt RNA splicing. Variants that disrupt the donor or acceptor splice site typically lead to a loss of protein function (PMID: 16199547), and loss-of-function variants in USH2A are known to be pathogenic (PMID: 10729113, 10909849, 20507924, 25649381). This variant has not been reported in the literature in individuals affected with USH2A-related conditions. In summary, the currently available evidence indicates that the variant is pathogenic, but additional data are needed to prove that conclusively. Therefore, this variant has been classified as Likely Pathogenic. Algorithms developed to predict the effect of sequence changes on RNA splicing suggest that this variant may disrupt the consensus splice site.

Literature cited by the submitters: PubMed 16199547; PubMed 10729113; PubMed 10909849; PubMed 20507924; PubMed 25649381.

NM_206933.4(USH2A):c.1551-2A>G

Gene: USH2A (usherin; minus strand). Cytogenetic location: 1q41.
Variant type: single nucleotide variant.
Coding change: c.1551-2A>G on transcript NM_206933.4 (MANE Select); the canonical splice acceptor site of the intron before coding-DNA position 1551, A replaced by G.
Molecular consequence: splice acceptor variant.
Genome position (GRCh38, 1-based): chr1:216,321,978, T>C on the plus strand (A>G on the coding strand, the complement: USH2A is on the minus strand). VCF-style: chr1-216321978-T-C. GRCh37 (hg19) VCF-style: chr1-216495320-T-C.
Other names: c.1551-2A>G (NM_007123.6).
Identifiers: ClinVar variation 2810638 (VCV002810638.3), dbSNP rs2527429954, ClinGen allele CA344908312.
Genomic context (GRCh38, chr1:216,321,978, plus strand): 5'-GGCATCTATATGGCTGGCTTGTTGTGTCGCAGTTATCGGCATGACCATGGCACTGACATC[T>C]GCAAACATGAGCATCACACACTCCTAAGGAACACCAACTCAACTGTGAATATATTTAAGG-3'